The following is an entry in ClinVar:

NM_006580.4(CLDN16):c.87G>C (p.Trp29Cys)

Gene: CLDN16 (claudin 16; plus strand). Cytogenetic location: 3q28.
Variant type: single nucleotide variant.
Coding change: c.87G>C on transcript NM_006580.4 (MANE Select); coding-DNA position 87, G replaced by C.
Protein change: p.Trp29Cys; replaces tryptophan 29 with cysteine.
Molecular consequence: missense variant.
Genome position (GRCh38, 1-based): chr3:190,388,416, G>C. VCF-style: chr3-190388416-G-C. GRCh37 (hg19) VCF-style: chr3-190106205-G-C.
Other names: c.87G>C, p.Trp29Cys (NM_001378492.1, NM_001378493.1); short protein forms W99C, W29C.
Identifiers: ClinVar variation 422411 (VCV000422411.3), dbSNP rs1064795763, ClinGen allele CA16617861.

ClinVar aggregate classification (germline): Uncertain significance. Review status: criteria provided, multiple submitters, no conflicts (2 of 4 stars). 2 submissions from 2 submitters: Uncertain significance (2). Last evaluated 2021-10-18.

Conditions:
Primary hypomagnesemia (HOMG3). Also called: HYPOMAGNESEMIA, FAMILIAL, WITH HYPERCALCIURIA AND NEPHROCALCINOSIS; HYPOMAGNESEMIA, ISOLATED RENAL; HYPOMAGNESEMIA, PRIMARY, DUE TO DEFECT IN RENAL TUBULAR TRANSPORT OF MAGNESIUM; HYPOMAGNESEMIA 3, RENAL. Identifiers: Orphanet 31043, MedGen C0268448, MONDO:0009550, OMIM 248250.

Allele frequency attached by ClinVar (database versions not stated): gnomAD exomes below 0.00001.
gnomAD v4.1: 1 of 1,614,022 alleles (0.000062%); highest among the groups gnomAD compares: Non-Finnish European, 0.000085%; no homozygotes.

Submissions (2):

Department of Pathology and Laboratory Medicine, Sinai Health System
Classification: Uncertain significance for Primary hypomagnesemia. Last evaluated: 2021-10-18. Review status: criteria provided, single submitter. Criteria: ACMG Guidelines, 2015. Collection method: research. Allele origin: germline.

GeneDx
Classification: Uncertain significance. Last evaluated: 2016-10-13. Review status: criteria provided, single submitter. Criteria: GeneDx Variant Classification (06012015). Collection method: clinical testing. Allele origin: germline. Affected: yes.
Comment: The W99C variant in the CLDN16 gene has not been reported previously as a pathogenic variant, nor as a benign variant, to our knowledge. This variant was not observed in approximately 6,500 individuals of European and African American ancestry in the NHLBI Exome Sequencing Project, indicating it is not a common benign variant in these populations. The W99C variant is a non-conservative amino acid substitution, which is likely to impact secondary protein structure as these residues differ in polarity, charge, size and/or other properties. This substitution occurs at a position that is conserved in mammals. In silico analysis predicts this variant is probably damaging to the protein structure/function. A missense variant in nearby residue (D97G) has been reported in the Human Gene Mutation Database in association with hypomagnesemia with hypercalciuria and nephrocalcinosis (Stenson et al., 2014), supporting the functional importance of this region of the protein. Based on currently available evidence, we interpret W99C as a variant of uncertain significance.